The following is an entry in ClinVar:

ClinVar aggregate classification (germline): Uncertain significance. Review status: criteria provided, multiple submitters, no conflicts (2 of 4 stars). 2 submissions from 2 submitters: Uncertain significance (2). Last evaluated 2024-09-02.

Conditions:
Spermatogenic failure 18. Identifiers: MedGen C4539783, MONDO:0054615, OMIM 617576.
Ciliary dyskinesia, primary, 37 (CILD37). Also called: CILIARY DYSKINESIA, PRIMARY, 37, WITH OR WITHOUT SITUS INVERSUS. Identifiers: MedGen C4539798, MONDO:0033204, OMIM 617577.

Allele frequency attached by ClinVar (database versions not stated): gnomAD exomes 0.00003 and 0.00005; ExAC 0.00006; gnomAD 0.00010 and 0.00011; TOPMed 0.00012; 1000 Genomes Project 0.00040; 1000 Genomes Project 30x 0.00047.
gnomAD v4.1: 60 of 1,612,608 alleles (0.0037%); highest among the groups gnomAD compares: African/African-American, 0.029%; no homozygotes.

Submissions (2):

Blueprint Genetics
Classification: Uncertain significance. Last evaluated: 2024-09-02. Review status: criteria provided, single submitter. Criteria: ACMG Guidelines, 2015. Collection method: clinical testing. Allele origin: germline.

Labcorp Genetics (formerly Invitae), Labcorp
Classification: Uncertain significance for Ciliary dyskinesia, primary, 37; Spermatogenic failure 18. Last evaluated: 2024-02-19. Review status: criteria provided, single submitter. Criteria: Invitae Variant Classification Sherloc (09022015). Collection method: clinical testing. Allele origin: germline.
Comment: This sequence change replaces arginine, which is basic and polar, with cysteine, which is neutral and slightly polar, at codon 852 of the DNAH1 protein (p.Arg852Cys). This variant is present in population databases (rs546135785, gnomAD 0.05%). This variant has not been reported in the literature in individuals affected with DNAH1-related conditions. ClinVar contains an entry for this variant (Variation ID: 1509947). Advanced modeling of protein sequence and biophysical properties (such as structural, functional, and spatial information, amino acid conservation, physicochemical variation, residue mobility, and thermodynamic stability) performed at Invitae indicates that this missense variant is not expected to disrupt DNAH1 protein function with a negative predictive value of 80%. In summary, the available evidence is currently insufficient to determine the role of this variant in disease. Therefore, it has been classified as a Variant of Uncertain Significance.

NM_015512.5(DNAH1):c.2554C>T (p.Arg852Cys)

Gene: DNAH1 (dynein axonemal heavy chain 1; plus strand). Cytogenetic location: 3p21.1.
Variant type: single nucleotide variant.
Coding change: c.2554C>T on transcript NM_015512.5 (MANE Select); coding-DNA position 2554, C replaced by T.
Protein change: p.Arg852Cys; replaces arginine 852 with cysteine.
Molecular consequence: missense variant.
Genome position (GRCh38, 1-based): chr3:52,350,016, C>T. VCF-style: chr3-52350016-C-T. GRCh37 (hg19) VCF-style: chr3-52384032-C-T.
Other names: short protein forms R852C.
Identifiers: ClinVar variation 1509947 (VCV001509947.5), dbSNP rs546135785, ClinGen allele CA2433299.